The following is an entry in ClinVar:

NM_206933.4(USH2A):c.4103dup (p.Ser1369fs)

Genes: USH2A (usherin; minus strand), USH2A-AS1 (USH2A antisense RNA 1; plus strand). Cytogenetic location: 1q41.
Variant type: Duplication.
Coding change: c.4103dup on transcript NM_206933.4 (MANE Select); coding-DNA position 4103, one base duplicated (C; older notation c.4103dupC).
Protein change: p.Ser1369fs; shifts the reading frame from serine 1369.
Molecular consequence: frameshift variant.
Genome position (GRCh38, 1-based): chr1:216,196,701, G duplicated on the plus strand (C on the coding strand, the reverse complement: USH2A is on the minus strand); the first of 2 consecutive G bases (chr1:216,196,701-216,196,702); duplicating either gives the same sequence. VCF-style (leftmost placement, unchanged base first): chr1-216196700-A-AG. GRCh37 (hg19) VCF-style: chr1-216370042-A-AG.
Other names: c.4103dup, p.Ser1369fs (NM_007123.6); short protein forms S1369fs.
Identifiers: ClinVar variation 4817118 (VCV004817118.1).

ClinVar aggregate classification (germline): Likely pathogenic (1 of 4 stars; one submission).

Conditions:
Usher syndrome type 2A. Also called: RETINAL DISEASE IN USHER SYNDROME TYPE IIA, MODIFIER OF; USHER SYNDROME, TYPE IIA. Identifiers: Orphanet 231178, Orphanet 886, MedGen C1848634, MONDO:0010169, OMIM 276901.

Submission:

Natera, Inc.
Classification: Likely pathogenic for Usher syndrome type 2A. Last evaluated: 2025-06-01. Review status: criteria provided, single submitter. Criteria: Natera Variant Classification Schema (03/2026). Collection method: clinical testing. Allele origin: germline.
Comment: The c.4103dup variant in USH2A is a frameshift variant predicted to shift the reading frame beginning at codon 1369 and leads to a stop codon 20 codons downstream. This variant is expected to result in nonsense mediated decay, truncation, or a dysfunctional protein product. This variant is rare in the general population with a frequency below the threshold expected for the associated phenotype(s). Given the available evidence, this variant is classified as Likely Pathogenic.